The following is an entry in ClinVar:

ClinVar aggregate classification (germline): Uncertain significance. Review status: criteria provided, multiple submitters, no conflicts (2 of 4 stars). 2 submissions from 2 submitters: Uncertain significance (2). Last evaluated 2025-08-12.

Conditions:
Inborn genetic diseases. Identifiers: MedGen C0950123, MeSH D030342.

gnomAD v4.1: 50 of 1,613,964 alleles (0.0031%); highest among the groups gnomAD compares: South Asian, 0.019%; no homozygotes.

Submissions (2):

Ambry Genetics
Classification: Uncertain significance for Inborn genetic diseases. Last evaluated: 2025-08-12. Review status: criteria provided, single submitter. Criteria: Ambry Variant Classification Scheme 2023. Collection method: clinical testing. Allele origin: germline.

GeneDx
Classification: Uncertain significance. Last evaluated: 2024-09-03. Review status: criteria provided, single submitter. Criteria: GeneDx Variant Classification Process June 2021. Collection method: clinical testing. Allele origin: germline. Affected: yes.
Comment: In silico analysis supports that this missense variant does not alter protein structure/function; Has not been previously published as pathogenic or benign to our knowledge

NM_004667.6(HERC2):c.3094C>T (p.Arg1032Cys)

Gene: HERC2 (HECT and RLD domain containing E3 ubiquitin protein ligase 2; minus strand). Cytogenetic location: 15q13.1.
Variant type: single nucleotide variant.
Coding change: c.3094C>T on transcript NM_004667.6 (MANE Select); coding-DNA position 3094, C replaced by T.
Protein change: p.Arg1032Cys; replaces arginine 1032 with cysteine.
Molecular consequence: missense variant.
Genome position (GRCh38, 1-based): chr15:28,248,693, G>A on the plus strand (C>T on the coding strand, the complement: HERC2 is on the minus strand). VCF-style: chr15-28248693-G-A. GRCh37 (hg19) VCF-style: chr15-28493839-G-A.
Other names: c.3094C>T (NM_004667.4); short protein forms R1032C.
Identifiers: ClinVar variation 3766108 (VCV003766108.2).